The following is an entry in ClinVar:

ClinVar aggregate classification (germline): Uncertain significance. Review status: criteria provided, multiple submitters, no conflicts (2 of 4 stars). 2 submissions from 2 submitters: Uncertain significance (2). Last evaluated 2021-10-15.

Conditions:
Autosomal dominant nonsyndromic hearing loss 6 (LFSNHL). Also called: Autosomal dominant nonsyndromic deafness 6; DEAFNESS, AUTOSOMAL DOMINANT 6; DEAFNESS, AUTOSOMAL DOMINANT 14; DEAFNESS, AUTOSOMAL DOMINANT 38. Identifiers: Orphanet 90635, MedGen C1833021, MONDO:0010963, OMIM 600965.
Type 2 diabetes mellitus. Also called: Type II diabetes mellitus. Identifiers: MedGen C0011860, MeSH D003924, MONDO:0005148, OMIM 125853, HP:0005978.
Wolfram-like syndrome. Also called: HEARING LOSS, PROGRESSIVE, WITH OPTIC ATROPHY AND/OR IMPAIRED GLUCOSE REGULATION. Identifiers: Orphanet 411590, MedGen C3280358, MONDO:0013673, OMIM 614296.
Cataract 41 (CTRCT41). Also called: CATARACT 41, CONGENITAL NUCLEAR TYPE. Identifiers: Orphanet 91492, Orphanet 98991, Orphanet 98992, Orphanet 98995, MedGen C3805412, MONDO:0007287, OMIM 116400.
Wolfram syndrome 1 (WFS1). Identifiers: Orphanet 3463, MedGen C4551693, MONDO:0009101, OMIM 222300.

Allele frequency attached by ClinVar (database versions not stated): gnomAD 0.00002.
gnomAD v4.1: 16 of 1,613,930 alleles (0.00099%); highest among the groups gnomAD compares: African/African-American, 0.004%; no homozygotes.

Submissions (2):

Fulgent Genetics
Classification: Uncertain significance for Cataract 41; Type 2 diabetes mellitus; Wolfram syndrome 1; Autosomal dominant nonsyndromic hearing loss 6; Wolfram-like syndrome. Last evaluated: 2021-10-15. Review status: criteria provided, single submitter. Criteria: ACMG Guidelines, 2015. Collection method: clinical testing. Allele origin: unknown.

GeneDx
Classification: Uncertain significance. Last evaluated: 2019-12-02. Review status: criteria provided, single submitter. Criteria: GeneDx Variant Classification Process June 2021. Collection method: clinical testing. Allele origin: germline. Affected: yes.
Comment: Not observed at a significant frequency in large population cohorts (Lek et al., 2016); In silico analysis, which includes protein predictors and evolutionary conservation, supports that this variant does not alter protein structure/function; Has not been previously published as pathogenic or benign to our knowledge

NM_006005.3(WFS1):c.979C>T (p.Leu327Phe)

Gene: WFS1 (wolframin ER transmembrane glycoprotein; plus strand). Cytogenetic location: 4p16.1.
Variant type: single nucleotide variant.
Coding change: c.979C>T on transcript NM_006005.3 (MANE Select); coding-DNA position 979, C replaced by T.
Protein change: p.Leu327Phe; replaces leucine 327 with phenylalanine.
Molecular consequence: missense variant.
Genome position (GRCh38, 1-based): chr4:6,300,774, C>T. VCF-style: chr4-6300774-C-T. GRCh37 (hg19) VCF-style: chr4-6302501-C-T.
Other names: c.979C>T, p.Leu327Phe (NM_001145853.1); short protein forms L327F.
Identifiers: ClinVar variation 1316546 (VCV001316546.3), dbSNP rs71537678, ClinGen allele CA356174001.
Genomic context (GRCh38, chr4:6,300,774, plus strand): 5'-GCCTCCAGGGCAGGCATGCACTGGCTGTCCACCATCATCCCCACGCACCACATCAACGCG[C>T]TCATCTTCTTCTTCATCGTCAGCAACCTCACCATCGACTTCTTCGCCTTCTTCATCCCGC-3'
Protein context (NP_005996.2, residues 317-337): TIIPTHHINA[Leu327Phe]IFFFIVSNLT